The following is an entry in ClinVar:

NM_000038.6(APC):c.646-2576T>C

Gene: APC (APC regulator of WNT signaling pathway; plus strand). Cytogenetic location: 5q22.2.
Variant type: single nucleotide variant.
Coding change: c.646-2576T>C on transcript NM_000038.6 (MANE Select); 2576 bases into the intron before coding-DNA position 646, T replaced by C.
Molecular consequence: intron variant.
Genome position (GRCh38, 1-based): chr5:112,789,870, T>C. VCF-style: chr5-112789870-T-C. GRCh37 (hg19) VCF-style: chr5-112125567-T-C.
Other names: c.646-2576T>C (NM_001354895.2, NM_001127510.3, NM_001354896.2 and 1 more transcripts); c.676-2576T>C (NM_001354897.2, NM_001354902.2); c.675+8967T>C (NM_001127511.3); c.571-2576T>C (NM_001354898.2, NM_001354904.2); c.-390-2576T>C (NM_001354906.2); c.645+8967T>C (NM_001354899.2); c.469-2576T>C (NM_001354900.2, NM_001354901.2, NM_001354905.2).
Identifiers: ClinVar variation 82986 (VCV000082986.2), dbSNP rs76425429, ClinGen allele CA011775.

ClinVar aggregate classification (germline): other (0 of 4 stars; one submission).

Conditions:
Familial colorectal cancer. Identifiers: MedGen CN280943, MONDO:0023113. Disease mechanism: loss of function.

Submission:

Systems Biology Platform Zhejiang California International NanoSystems Institute
Classification: other for Familial colorectal cancer. Review status: no assertion criteria provided. Collection method: not provided. Allele origin: unknown.
ClinVar note: Converted during submission from cancer to other.